The following is an entry in ClinVar:

NM_001042681.2(RERE):c.68G>C (p.Arg23Thr)

Gene: RERE (arginine-glutamic acid dipeptide repeats; minus strand). Cytogenetic location: 1p36.23.
Variant type: single nucleotide variant.
Coding change: c.68G>C on transcript NM_001042681.2 (MANE Select); coding-DNA position 68, G replaced by C.
Protein change: p.Arg23Thr; replaces arginine 23 with threonine.
Molecular consequence: missense variant.
Genome position (GRCh38, 1-based): chr1:8,656,230, C>G on the plus strand (G>C on the coding strand, the complement: RERE is on the minus strand). VCF-style: chr1-8656230-C-G. GRCh37 (hg19) VCF-style: chr1-8716289-C-G.
Other names: c.68G>C, p.Arg23Thr (NM_012102.4); short protein forms R23T.
Identifiers: ClinVar variation 4706169 (VCV004706169.1).

ClinVar aggregate classification (germline): Uncertain significance (1 of 4 stars; one submission).

gnomAD v4.1: 15 of 1,613,660 alleles (0.00093%); highest among the groups gnomAD compares: African/African-American, 0.0013%; no homozygotes.

Submission:

Labcorp Genetics (formerly Invitae), Labcorp
Classification: Uncertain significance. Last evaluated: 2025-08-14. Review status: criteria provided, single submitter. Criteria: Invitae Variant Classification Sherloc (09022015). Collection method: clinical testing. Allele origin: germline.
Comment: This sequence change replaces arginine, which is basic and polar, with threonine, which is neutral and polar, at codon 23 of the RERE protein (p.Arg23Thr). This variant is present in population databases (rs774339309, gnomAD 0.01%). This variant has not been reported in the literature in individuals affected with RERE-related conditions. Invitae Evidence Modeling of protein sequence and biophysical properties (such as structural, functional, and spatial information, amino acid conservation, physicochemical variation, residue mobility, and thermodynamic stability) indicates that this missense variant is not expected to disrupt RERE protein function with a negative predictive value of 95%. In summary, the available evidence is currently insufficient to determine the role of this variant in disease. Therefore, it has been classified as a Variant of Uncertain Significance.